The following is an entry in ClinVar:

ClinVar aggregate classification (germline): Pathogenic. Review status: criteria provided, single submitter (1 of 4 stars). 2 submissions from 2 submitters: Pathogenic (1). 1 of the submissions does not count toward it. Last evaluated 2024-06-21.

Conditions:
MYPN-related myopathy (CMYO24). Also called: Nemaline myopathy 11, autosomal recessive. Identifiers: MedGen C4479186, MONDO:0015023, OMIM 617336.
Cardiovascular phenotype. Identifiers: MedGen CN230736.

Allele frequency attached by ClinVar (database versions not stated): ExAC 0.00001; gnomAD exomes 0.00002.
gnomAD v4.1: 5 of 1,611,988 alleles (0.00031%); highest among the groups gnomAD compares: Admixed American, 0.0017%; no homozygotes.

Submissions (2):

Ambry Genetics
Classification: Pathogenic for Cardiovascular phenotype. Last evaluated: 2024-06-21. Review status: criteria provided, single submitter. Criteria: Ambry Variant Classification Scheme 2023. Collection method: clinical testing. Allele origin: germline.
Comment: The p.R377* pathogenic mutation (also known as c.1129C>T), located in coding exon 3 of the MYPN gene, results from a C to T substitution at nucleotide position 1129. This changes the amino acid from an arginine to a stop codon within coding exon 3. This alteration has been reported as homozygous in an individual with nemaline myopathy (Miyatake S et al. Am J Hum Genet, 2017 Jan;100:169-178). In addition to the clinical data presented in the literature, this alteration is expected to result in loss of function by premature protein truncation or nonsense-mediated mRNA decay. As such, this alteration is interpreted as a disease-causing mutation.

OMIM
Classification: Pathogenic for CONGENITAL MYOPATHY 24. Last evaluated: 2024-07-16. Review status: no assertion criteria provided. Collection method: literature only. Allele origin: germline. Not counted in ClinVar's aggregate classification.

Literature cited by the submitters: PubMed 28017374 (cited by Ambry Genetics and OMIM).

NM_032578.4(MYPN):c.1129C>T (p.Arg377Ter)

Gene: MYPN (myopalladin; plus strand). Cytogenetic location: 10q21.3.
Variant type: single nucleotide variant.
Coding change: c.1129C>T on transcript NM_032578.4 (MANE Select); coding-DNA position 1129, C replaced by T.
Protein change: p.Arg377Ter; replaces arginine 377 with a stop codon.
Molecular consequence: nonsense. On other transcripts: non-coding transcript variant (2).
Genome position (GRCh38, 1-based): chr10:68,145,525, C>T. VCF-style: chr10-68145525-C-T. GRCh37 (hg19) VCF-style: chr10-69905282-C-T.
Other names: c.1129C>T, p.Arg377Ter (NM_001256267.2); c.247C>T, p.Arg83Ter (NM_001256268.2); c.1129C>T (NM_032578.2); short protein forms R377*, R83*.
Identifiers: ClinVar variation 375566 (VCV000375566.4), dbSNP rs781261060, ClinGen allele CA5522440.